The following is an entry in ClinVar:

NM_000038.6(APC):c.7301G>A (p.Arg2434Lys)

Gene: APC (APC regulator of Wnt signaling pathway; plus strand). Cytogenetic location: 5q22.2.
Variant type: single nucleotide variant.
Coding change: c.7301G>A on transcript NM_000038.6 (MANE Select); coding-DNA position 7301, G replaced by A.
Protein change: p.Arg2434Lys; replaces arginine 2434 with lysine.
Molecular consequence: missense variant.
Genome position (GRCh38, 1-based): chr5:112,842,895, G>A. VCF-style: chr5-112842895-G-A. GRCh37 (hg19) VCF-style: chr5-112178592-G-A.
Other names: c.7301G>A, p.Arg2434Lys (NM_001127510.3, NM_001354895.2); c.7247G>A, p.Arg2416Lys (NM_001127511.3); c.7355G>A, p.Arg2452Lys (NM_001354896.2); c.7331G>A, p.Arg2444Lys (NM_001354897.2); c.7226G>A, p.Arg2409Lys (NM_001354898.2); c.7217G>A, p.Arg2406Lys (NM_001354899.2); c.7178G>A, p.Arg2393Lys (NM_001354900.2); c.7124G>A, p.Arg2375Lys (NM_001354901.2); and 5 more; short protein forms R2151K, R2274K, R2308K, R2333K, R2343K, R2375K, R2393K, R2406K.
Identifiers: ClinVar variation 1332072 (VCV001332072.6), dbSNP rs2149983889, ClinGen allele CA16037230.
Genomic context (GRCh38, chr5:112,842,895, plus strand): 5'-TAGAACTTTCTAGAATGTCTTCAACTAAATCAAGTGGAAGTGAATCTGATAGATCAGAAA[G>A]ACCTGTATTAGTACGCCAGTCAACTTTCATCAAAGAAGCTCCAAGCCCAACCTTAAGAAG-3'
Protein context (NP_000029.2, residues 2424-2444): SSGSESDRSE[Arg2434Lys]PVLVRQSTFI

ClinVar aggregate classification (germline): Uncertain significance. Review status: criteria provided, multiple submitters, no conflicts (2 of 4 stars). 2 submissions from 2 submitters: Uncertain significance (2). Last evaluated 2024-02-17.

Conditions:
Familial adenomatous polyposis 1 (FAP1). Also called: POLYPOSIS, ADENOMATOUS INTESTINAL; FAMILIAL ADENOMATOUS POLYPOSIS 1, ATTENUATED. Identifiers: MedGen C2713442, MONDO:0021056, OMIM 175100. Disease mechanism: loss of function.
Hereditary cancer-predisposing syndrome. Also called: Tumor predisposition; Hereditary Cancer Syndrome; Neoplastic Syndromes, Hereditary; Hereditary neoplastic syndrome. Identifiers: Orphanet 140162, MedGen C0027672, MeSH D009386, MONDO:0015356.

gnomAD v4.1: 1 of 1,614,066 alleles (0.000062%); no homozygotes.

Submissions (2):

Labcorp Genetics (formerly Invitae), Labcorp
Classification: Uncertain significance for Familial adenomatous polyposis 1. Last evaluated: 2024-02-17. Review status: criteria provided, single submitter. Criteria: Invitae Variant Classification Sherloc (09022015). Collection method: clinical testing. Allele origin: germline.
Comment: This sequence change replaces arginine, which is basic and polar, with lysine, which is basic and polar, at codon 2434 of the APC protein (p.Arg2434Lys). This variant is not present in population databases (gnomAD no frequency). This variant has not been reported in the literature in individuals affected with APC-related conditions. ClinVar contains an entry for this variant (Variation ID: 1332072). Advanced modeling of protein sequence and biophysical properties (such as structural, functional, and spatial information, amino acid conservation, physicochemical variation, residue mobility, and thermodynamic stability) performed at Invitae indicates that this missense variant is not expected to disrupt APC protein function with a negative predictive value of 95%. In summary, the available evidence is currently insufficient to determine the role of this variant in disease. Therefore, it has been classified as a Variant of Uncertain Significance.

Color Diagnostics, LLC DBA Color Health
Classification: Uncertain significance for Hereditary cancer-predisposing syndrome. Last evaluated: 2022-05-18. Review status: criteria provided, single submitter. Criteria: ACMG Guidelines, 2015. Collection method: clinical testing. Allele origin: germline.
Comment: This missense variant replaces arginine with lysine at codon 2434 of the APC protein. Computational prediction suggests that this variant may not impact protein structure and function (internally defined REVEL score threshold <= 0.5, PMID: 27666373). To our knowledge, functional studies have not been reported for this variant. This variant has not been reported in individuals affected with hereditary cancer in the literature. This variant has not been identified in the general population by the Genome Aggregation Database (gnomAD). The available evidence is insufficient to determine the role of this variant in disease conclusively. Therefore, this variant is classified as a Variant of Uncertain Significance.